The following is an entry in ClinVar:

ClinVar aggregate classification (germline): Uncertain significance. Review status: criteria provided, multiple submitters, no conflicts (2 of 4 stars). 3 submissions from 3 submitters: Uncertain significance (3). Last evaluated 2025-12-29.

Conditions:
Ataxia-telangiectasia syndrome (AT). Also called: Ataxia-telangiectasia, complementation group D; AT, COMPLEMENTATION GROUP C; Ataxia telangiectasia (A-T); Cerebello-oculocutaneous telangiectasia; Immunodeficiency with ataxia telangiectasia; ATAXIA-TELANGIECTASIA, COMPLEMENTATION GROUP A. Identifiers: Orphanet 100, MedGen C0004135, MONDO:0008840, OMIM 208900.

Allele frequency attached by ClinVar (database versions not stated): TOPMed 0.00001.

Submissions (3):

Center for Genomic Medicine, Rigshospitalet, Copenhagen University Hospital
Classification: Uncertain significance. Last evaluated: 2025-12-29. Review status: criteria provided, single submitter. Criteria: ACMG Guidelines, 2015. Collection method: clinical testing. Allele origin: germline.
Comment: Classification criteria: PM2_supporting, BP4_supporting

GeneDx
Classification: Uncertain significance. Last evaluated: 2024-02-27. Review status: criteria provided, single submitter. Criteria: GeneDx Variant Classification Process June 2021. Collection method: clinical testing. Allele origin: germline. Affected: yes.
Comment: Not observed at significant frequency in large population cohorts (gnomAD); In silico analysis supports that this missense variant does not alter protein structure/function; Has not been previously published as pathogenic or benign to our knowledge; This variant is associated with the following publications: (PMID: 19781682)

Labcorp Genetics (formerly Invitae), Labcorp
Classification: Uncertain significance for Ataxia-telangiectasia syndrome. Last evaluated: 2024-01-03. Review status: criteria provided, single submitter. Criteria: Invitae Variant Classification Sherloc (09022015). Collection method: clinical testing. Allele origin: germline.
Comment: This sequence change replaces lysine, which is basic and polar, with glutamic acid, which is acidic and polar, at codon 1126 of the ATM protein (p.Lys1126Glu). This variant is not present in population databases (gnomAD no frequency). This variant has not been reported in the literature in individuals affected with ATM-related conditions. ClinVar contains an entry for this variant (Variation ID: 663331). An algorithm developed to predict the effect of missense changes on protein structure and function (PolyPhen-2) suggests that this variant is likely to be tolerated. In summary, the available evidence is currently insufficient to determine the role of this variant in disease. Therefore, it has been classified as a Variant of Uncertain Significance.

NM_000051.4(ATM):c.3376A>G (p.Lys1126Glu)

Gene: ATM (ATM serine/threonine kinase; plus strand). Cytogenetic location: 11q22.3.
Variant type: single nucleotide variant.
Coding change: c.3376A>G on transcript NM_000051.4 (MANE Select); coding-DNA position 3376, A replaced by G.
Protein change: p.Lys1126Glu; replaces lysine 1126 with glutamic acid.
Molecular consequence: missense variant.
Genome position (GRCh38, 1-based): chr11:108,279,582, A>G. VCF-style: chr11-108279582-A-G. GRCh37 (hg19) VCF-style: chr11-108150309-A-G.
Other names: c.3376A>G, p.Lys1126Glu (NM_001351834.2); short protein forms K1126E.
Identifiers: ClinVar variation 663331 (VCV000663331.14), dbSNP rs1310591343, ClinGen allele CA382517724.
Genomic context (GRCh38, chr11:108,279,582, plus strand): 5'-AGGTTACTGAAAGCACTTCCTTTGAAGCTTCAGCAAACAGCTTTTGAAAATGCATACTTG[A>G]AAGCTCAGGAAGGAATGAGAGAAATGGTAATTTTAAGTAACATGTATTTGCTGTTATCAT-3'
Protein context (NP_000042.3, residues 1116-1136): QQTAFENAYL[Lys1126Glu]AQEGMREMSH